The following is an entry in ClinVar:

ClinVar aggregate classification (germline): Conflicting classifications of pathogenicity. Review status: criteria provided, conflicting classifications (1 of 4 stars). 2 submissions from 2 submitters: Uncertain significance (1); Benign (1). Last evaluated 2022-10-01.

Allele frequency attached by ClinVar (database versions not stated): ESP Exome Variant Server 0.00092.
gnomAD v4.1: 1,756 of 1,613,938 alleles (0.11%); highest among the groups gnomAD compares: Non-Finnish European, 0.14%; 2 homozygotes.

Submissions (2):

CeGaT Center for Human Genetics Tuebingen
Classification: Benign. Last evaluated: 2022-10-01. Review status: criteria provided, single submitter. Criteria: CeGaT Center For Human Genetics Tuebingen Variant Classification Criteria Version 2. Collection method: clinical testing. Allele origin: germline. Affected: yes. Observed: 1 variant allele.
Comment: UBR4: BS1, BS2

Ambry Genetics
Classification: Uncertain significance. Last evaluated: 2021-10-06. Review status: criteria provided, single submitter. Criteria: Ambry Variant Classification Scheme 2023. Collection method: clinical testing. Allele origin: germline.

NM_020765.3(UBR4):c.4793A>T (p.His1598Leu)

Gene: UBR4 (ubiquitin protein ligase E3 component n-recognin 4; minus strand). Cytogenetic location: 1p36.13.
Variant type: single nucleotide variant.
Coding change: c.4793A>T on transcript NM_020765.3 (MANE Select); coding-DNA position 4793, A replaced by T.
Protein change: p.His1598Leu; replaces histidine 1598 with leucine.
Molecular consequence: missense variant.
Genome position (GRCh38, 1-based): chr1:19,162,583, T>A on the plus strand (A>T on the coding strand, the complement: UBR4 is on the minus strand). VCF-style: chr1-19162583-T-A. GRCh37 (hg19) VCF-style: chr1-19489077-T-A.
Other names: short protein forms H1598L.
Identifiers: ClinVar variation 2372373 (VCV002372373.26), dbSNP rs150747540, ClinGen allele CA650716.
Genomic context (GRCh38, chr1:19,162,583, plus strand): 5'-GGGCCTTGACCATTACTCTGGCTCAGGGCATTCGTGACATCAGCCAAGTAAGACATGATA[T>A]GGCATGTGCACTCCAAGATCATCACATGCTGTAAGAGAAGCCCCACAGCAACTTCAGATT-3'
Protein context (NP_065816.2, residues 1588-1608): KHVMILECTC[His1598Leu]IMSYLADVTN